The following is an entry in ClinVar:

ClinVar aggregate classification (germline): Uncertain significance (1 of 4 stars; one submission).

Conditions:
Developmental and epileptic encephalopathy, 21 (DEE21). Also called: Early infantile epileptic encephalopathy 21. Identifiers: Orphanet 442835, MedGen C4014430, MONDO:0014360, OMIM 615833.

Submission:

Labcorp Genetics (formerly Invitae), Labcorp
Classification: Uncertain significance for Developmental and epileptic encephalopathy, 21. Last evaluated: 2020-05-06. Review status: criteria provided, single submitter. Criteria: Invitae Variant Classification Sherloc (09022015). Collection method: clinical testing. Allele origin: germline.
Comment: This variant has not been reported in the literature in individuals with NECAP1-related conditions. This variant is not present in population databases (ExAC no frequency). This sequence change replaces valine with methionine at codon 82 of the NECAP1 protein (p.Val82Met). The valine residue is moderately conserved and there is a small physicochemical difference between valine and methionine. Algorithms developed to predict the effect of missense changes on protein structure and function are either unavailable or do not agree on the potential impact of this missense change (SIFT: "Deleterious"; PolyPhen-2: "Possibly Damaging"; Align-GVGD: "Class C0"). In summary, the available evidence is currently insufficient to determine the role of this variant in disease. Therefore, it has been classified as a Variant of Uncertain Significance.

NM_015509.4(NECAP1):c.244G>A (p.Val82Met)

Gene: NECAP1 (NECAP endocytosis associated 1; plus strand). Cytogenetic location: 12p13.31.
Variant type: single nucleotide variant.
Coding change: c.244G>A on transcript NM_015509.4 (MANE Select); coding-DNA position 244, G replaced by A.
Protein change: p.Val82Met; replaces valine 82 with methionine.
Molecular consequence: missense variant. On other transcripts: non-coding transcript variant (1).
Genome position (GRCh38, 1-based): chr12:8,090,242, G>A. VCF-style: chr12-8090242-G-A. GRCh37 (hg19) VCF-style: chr12-8242838-G-A.
Other names: short protein forms V82M.
Identifiers: ClinVar variation 1026898 (VCV001026898.9), dbSNP rs1947531325, ClinGen allele CA383797565.